The following is an entry in ClinVar:

NM_001083116.3(PRF1):c.568C>T (p.His190Tyr)

Gene: PRF1 (perforin 1; minus strand). Cytogenetic location: 10q22.1.
Variant type: single nucleotide variant.
Coding change: c.568C>T on transcript NM_001083116.3 (MANE Select); coding-DNA position 568, C replaced by T.
Protein change: p.His190Tyr; replaces histidine 190 with tyrosine.
Molecular consequence: missense variant.
Genome position (GRCh38, 1-based): chr10:70,599,153, G>A on the plus strand (C>T on the coding strand, the complement: PRF1 is on the minus strand). VCF-style: chr10-70599153-G-A. GRCh37 (hg19) VCF-style: chr10-72358909-G-A.
Other names: c.568C>T, p.His190Tyr (NM_005041.6); short protein forms H190Y.
Identifiers: ClinVar variation 1982898 (VCV001982898.5), dbSNP rs1295440310, ClinGen allele CA376959131.
Genomic context (GRCh38, chr10:70,599,153, plus strand): 5'-GCTGGGTGGAGGCGTTGAAGTGGTGGGGCAGGTCCCCGAGGGCCCTCTTGAAGTCAGGGT[G>A]CAGCGGGGGAGTGTGTACCACATGGAAACTGCGAGAAGAGAGAGACCTCAGCTGGGCCCA-3'
Protein context (NP_001076585.1, residues 180-200): SFHVVHTPPL[His190Tyr]PDFKRALGDL

ClinVar aggregate classification (germline): Conflicting classifications of pathogenicity. Review status: criteria provided, conflicting classifications (1 of 4 stars). 3 submissions from 3 submitters: Likely pathogenic (1); Uncertain significance (2). Last evaluated 2024-01-07.

Conditions:
Familial hemophagocytic lymphohistiocytosis 2 (FHL2). Also called: PRF1-Related Familial Hemophagocytic Lymphohistiocytosis (PRF1-fHLH). Identifiers: Orphanet 540, MedGen C1863727, MONDO:0011337, OMIM 603553.
PRF1-related disorder. Also called: PRF1-related condition.
Aplastic anemia. Identifiers: Orphanet 182040, Orphanet 88, MedGen C0002874, MONDO:0015909, OMIM 609135, HP:0001915.

Allele frequency attached by ClinVar (database versions not stated): gnomAD exomes below 0.00001.
gnomAD v4.1: 3 of 1,614,196 alleles (0.00019%); highest among the groups gnomAD compares: Non-Finnish European, 0.00017%; no homozygotes.

Submissions (3):

Labcorp Genetics (formerly Invitae), Labcorp
Classification: Uncertain significance for Familial hemophagocytic lymphohistiocytosis 2. Last evaluated: 2024-01-07. Review status: criteria provided, single submitter. Criteria: Invitae Variant Classification Sherloc (09022015). Collection method: clinical testing. Allele origin: germline.
Comment: This sequence change replaces histidine, which is basic and polar, with tyrosine, which is neutral and polar, at codon 190 of the PRF1 protein (p.His190Tyr). This variant is present in population databases (no rsID available, gnomAD 0.0009%). This variant has not been reported in the literature in individuals affected with PRF1-related conditions. ClinVar contains an entry for this variant (Variation ID: 1982898). Advanced modeling of protein sequence and biophysical properties (such as structural, functional, and spatial information, amino acid conservation, physicochemical variation, residue mobility, and thermodynamic stability) has been performed at Invitae for this missense variant, however the output from this modeling did not meet the statistical confidence thresholds required to predict the impact of this variant on PRF1 protein function. In summary, the available evidence is currently insufficient to determine the role of this variant in disease. Therefore, it has been classified as a Variant of Uncertain Significance.

Baylor Genetics
Classification: Uncertain significance for Aplastic anemia. Last evaluated: 2023-07-06. Review status: criteria provided, single submitter. Criteria: ACMG Guidelines, 2015. Collection method: clinical testing. Allele origin: unknown.

Blueprint Genetics
Classification: Likely pathogenic for PRF1-related disorders. Last evaluated: 2018-11-30. Review status: criteria provided, single submitter. Criteria: ACMG Guidelines, 2015. Collection method: clinical testing. Allele origin: germline. Affected: yes. Observed: 2 variant alleles.